The following is an entry in ClinVar:

NM_001106.4(ACVR2B):c.*2280A>G

Gene: ACVR2B (activin A receptor type 2B; plus strand). Cytogenetic location: 3p22.2.
Variant type: single nucleotide variant.
Coding change: c.*2280A>G on transcript NM_001106.4 (MANE Select); 2280 bases downstream of the stop codon, A replaced by G.
Molecular consequence: 3 prime UTR variant.
Genome position (GRCh38, 1-based): chr3:38,485,612, A>G. VCF-style: chr3-38485612-A-G. GRCh37 (hg19) VCF-style: chr3-38527103-A-G.
Identifiers: ClinVar variation 344959 (VCV000344959.6), dbSNP rs17037775, ClinGen allele CA10618217.
Genomic context (GRCh38, chr3:38,485,612, plus strand): 5'-GGGTGCTATGGGAGGCCCATTTGCTTCCCTCTCGGAGCTCAGTTTTTGCTTCATGGGTCA[A>G]AATGTGGGCTGGCCAAGTGGTTACAGGAACAGGGTTTCGGTAAGCTATGTTGTCTTTTTT-3'

ClinVar aggregate classification (germline): Benign. Review status: criteria provided, multiple submitters, no conflicts (2 of 4 stars). 2 submissions from 2 submitters: Benign (2). Last evaluated 2018-01-13.

Conditions:
Heterotaxy, visceral, 4, autosomal (HTX4). Identifiers: Orphanet 450, MedGen C3151057, MONDO:0013403, OMIM 613751.

Allele frequency attached by ClinVar (database versions not stated): gnomAD exomes 0.02525; gnomAD 0.05902 and 0.06158; TOPMed 0.06975; 1000 Genomes Project 30x 0.09369; 1000 Genomes Project 0.09385.
gnomAD v4.1: 9,158 of 149,840 alleles (6.1%); highest among the groups gnomAD compares: East Asian, 19%; 450 homozygotes.

Submissions (2):

Illumina Laboratory Services, Illumina
Classification: Benign for Heterotaxy, visceral, 4, autosomal. Last evaluated: 2018-01-13. Review status: criteria provided, single submitter. Criteria: ICSL Variant Classification Criteria 13 December 2019. Collection method: clinical testing. Allele origin: germline.
Comment: This variant was observed in the ICSL laboratory as part of a predisposition screen in an ostensibly healthy population. It had not been previously curated by ICSL or reported in the Human Gene Mutation Database (HGMD: prior to June 1st, 2018), and was therefore a candidate for classification through an automated scoring system. Utilizing variant allele frequency, disease prevalence and penetrance estimates, and inheritance mode, an automated score was calculated to assess if this variant is too frequent to cause the disease. Based on the score and internal cut-off values, a variant classified as benign is not then subjected to further curation. The score for this variant resulted in a classification of benign for this disease.

Breakthrough Genomics
Classification: Benign. Review status: criteria provided, single submitter. Criteria: ACMG Guidelines, 2015. Collection method: not provided. Allele origin: germline. Inheritance: Unknown mechanism. Affected: yes.